The following is an entry in ClinVar:

NM_001382567.1(STIM1):c.178G>T (p.Asp60Tyr)

Gene: STIM1 (stromal interaction molecule 1; plus strand). Cytogenetic location: 11p15.4.
Variant type: single nucleotide variant.
Coding change: c.178G>T on transcript NM_001382567.1 (MANE Select); coding-DNA position 178, G replaced by T.
Protein change: p.Asp60Tyr; replaces aspartic acid 60 with tyrosine.
Molecular consequence: missense variant. On other transcripts: 5 prime UTR variant (8), non-coding transcript variant (3), intron variant (4).
Genome position (GRCh38, 1-based): chr11:3,967,590, G>T. VCF-style: chr11-3967590-G-T. GRCh37 (hg19) VCF-style: chr11-3988820-G-T.
Other names: c.178G>T, p.Asp60Tyr (NM_001277961.3, NM_001277962.2, NM_001382568.1 and 3 more transcripts); c.-45G>T (NM_001382566.1, NM_001382573.1, NM_001382574.1 and 5 more transcripts); c.-219-56283G>T (NM_001382580.1, NM_001382581.1); c.136-56283G>T (NM_001382569.1); c.-98-56283G>T (NM_001382571.1); short protein forms D60Y.
Identifiers: ClinVar variation 4783674 (VCV004783674.1).

ClinVar aggregate classification (germline): Uncertain significance (1 of 4 stars; one submission).

Conditions:
Stormorken syndrome (STRMK). Also called: THROMBOCYTOPATHY, ASPLENIA, AND MIOSIS. Identifiers: Orphanet 3204, MedGen C1861451, MONDO:0008497, OMIM 185070.
Combined immunodeficiency due to STIM1 deficiency. Also called: IMMUNODEFICIENCY 10; STIM1 DEFICIENCY. Identifiers: Orphanet 169090, Orphanet 317430, MedGen C2748557, MONDO:0013008, OMIM 612783.
Myopathy with tubular aggregates (TAM). Also called: Tubular Aggregate Myopathy. Identifiers: Orphanet 2593, MedGen C0410207, MONDO:0008051.

Submission:

Labcorp Genetics (formerly Invitae), Labcorp
Classification: Uncertain significance for Myopathy with tubular aggregates; Combined immunodeficiency due to STIM1 deficiency; Stormorken syndrome. Last evaluated: 2026-01-12. Review status: criteria provided, single submitter. Criteria: Invitae Variant Classification Sherloc (09022015). Collection method: clinical testing. Allele origin: germline.
Comment: This sequence change replaces aspartic acid, which is acidic and polar, with tyrosine, which is neutral and polar, at codon 60 of the STIM1 protein (p.Asp60Tyr). This variant is not present in population databases (gnomAD no frequency). This variant has not been reported in the literature in individuals affected with STIM1-related conditions. Invitae Evidence Modeling of protein sequence and biophysical properties (such as structural, functional, and spatial information, amino acid conservation, physicochemical variation, residue mobility, and thermodynamic stability) has been performed for this missense variant. However, the output from this modeling did not meet the statistical confidence thresholds required to predict the impact of this variant on STIM1 protein function. In summary, the available evidence is currently insufficient to determine the role of this variant in disease. Therefore, it has been classified as a Variant of Uncertain Significance.